The following is an entry in ClinVar:

NM_033409.4(SLC52A3):c.659C>T (p.Pro220Leu)

Gene: SLC52A3 (solute carrier family 52 member 3; minus strand). Cytogenetic location: 20p13.
Variant type: single nucleotide variant.
Coding change: c.659C>T on transcript NM_033409.4 (MANE Select); coding-DNA position 659, C replaced by T.
Protein change: p.Pro220Leu; replaces proline 220 with leucine.
Molecular consequence: missense variant.
Genome position (GRCh38, 1-based): chr20:763,912, G>A on the plus strand (C>T on the coding strand, the complement: SLC52A3 is on the minus strand). VCF-style: chr20-763912-G-A. GRCh37 (hg19) VCF-style: chr20-744556-G-A.
Other names: c.659C>T, p.Pro220Leu (NM_001370085.1, NM_001370086.1); short protein forms P220L.
Identifiers: ClinVar variation 1311439 (VCV001311439.2), dbSNP rs797045194, ClinGen allele CA407963369.

ClinVar aggregate classification (germline): Uncertain significance (1 of 4 stars; one submission).

Submission:

GeneDx
Classification: Uncertain significance. Last evaluated: 2019-09-06. Review status: criteria provided, single submitter. Criteria: GeneDx Variant Classification Process June 2021. Collection method: clinical testing. Allele origin: germline. Affected: yes.
Comment: Not observed in large population cohorts (Lek et al., 2016); In silico analysis, which includes protein predictors and evolutionary conservation, supports that this variant does not alter protein structure/function; Has not been previously published as pathogenic or benign to our knowledge; A different missense change at this residue (P220H) has been reported in the published literature (Dezfouli et al., 2012)